The following is an entry in ClinVar:

ClinVar aggregate classification (germline): Benign/Likely benign. Review status: criteria provided, multiple submitters, no conflicts (2 of 4 stars). 4 submissions from 4 submitters: Benign (2); Likely benign (2). Last evaluated 2026-08-01.

Allele frequency attached by ClinVar (database versions not stated): 1000 Genomes Project 0.00160; 1000 Genomes Project 30x 0.00234; TOPMed 0.00485; gnomAD 0.00562 and 0.00570; ESP Exome Variant Server 0.00569; gnomAD exomes 0.00601 and 0.00725; ExAC 0.00617.
gnomAD v4.1: 11,448 of 1,614,092 alleles (0.71%); highest among the groups gnomAD compares: Non-Finnish European, 0.79%; 55 homozygotes.

Submissions (4):

CeGaT Center for Human Genetics Tuebingen
Classification: Likely benign. Last evaluated: 2026-08-01. Review status: criteria provided, single submitter. Criteria: CeGaT Center For Human Genetics Tuebingen Variant Classification Criteria Version 2. Collection method: clinical testing. Allele origin: germline. Affected: yes. Observed: 15 variant alleles.
Comment: MYMK: BP4, BP7, BS2

Mayo Clinic Laboratories, Mayo Clinic
Classification: Likely benign. Last evaluated: 2025-05-20. Review status: criteria provided, single submitter. Criteria: ACMG Guidelines, 2015. Collection method: clinical testing. Allele origin: germline. Observed: 3 variant alleles.
Comment: BS2, BP4, BP7

Labcorp Genetics (formerly Invitae), Labcorp
Classification: Benign. Last evaluated: 2019-12-31. Review status: criteria provided, single submitter. Criteria: Invitae Variant Classification Sherloc (09022015). Collection method: clinical testing. Allele origin: germline.

Breakthrough Genomics
Classification: Benign. Review status: criteria provided, single submitter. Criteria: ACMG Guidelines, 2015. Collection method: not provided. Allele origin: germline. Inheritance: Autosomal recessive inheritance. Affected: yes.

NM_001080483.3(MYMK):c.219G>A (p.Gly73=)

Gene: MYMK (myomaker, myoblast fusion factor; minus strand). Cytogenetic location: 9q34.2.
Variant type: single nucleotide variant.
Coding change: c.219G>A on transcript NM_001080483.3 (MANE Select); coding-DNA position 219, G replaced by A.
Protein change: p.Gly73=; no amino-acid change (glycine 73 retained).
Molecular consequence: synonymous variant.
Genome position (GRCh38, 1-based): chr9:133,520,205, C>T on the plus strand (G>A on the coding strand, the complement: MYMK is on the minus strand). VCF-style: chr9-133520205-C-T. GRCh37 (hg19) VCF-style: chr9-136385327-C-T.
Other names: p.Gly73=.
Identifiers: ClinVar variation 787887 (VCV000787887.30), dbSNP rs143433318, ClinGen allele CA5312307.
Genomic context (GRCh38, chr9:133,520,205, plus strand): 5'-AGGCTTGTCTGCAGGGGTTGACCACTCACCCATCAGCGAGACCCACATGCTCAGGGCTGT[C>T]CCGTAGACACTGAAATACTCCAGGATGTCGTGACGCATGAAGCACAGCACAGACAAGCCG-3'
Protein context (NP_001073952.1, residues 63-83): HDILEYFSVY[Gly73=]TALSMWVSLM